The following is an entry in ClinVar:

ClinVar aggregate classification (germline): Conflicting classifications of pathogenicity. Review status: criteria provided, conflicting classifications (1 of 4 stars). 5 submissions from 5 submitters: Uncertain significance (4); Likely benign (1). Last evaluated 2026-01-12.

Conditions:
Inborn genetic diseases. Identifiers: MedGen C0950123, MeSH D030342.
Autosomal dominant nocturnal frontal lobe epilepsy 5. Also called: Epilepsy, nocturnal frontal lobe, 5; CILIARY DYSKINESIA, PRIMARY, 28, WITHOUT SITUS INVERSUS; CILIARY DYSKINESIA, PRIMARY, 28, WITH SITUS INVERSUS; KCNT1-Related Epilepsy. Identifiers: Orphanet 98784, MedGen C3554306, MONDO:0014002, OMIM 615005.
Developmental and epileptic encephalopathy, 14 (DEE14). Also called: Early infantile epileptic encephalopathy 14. Identifiers: Orphanet 293181, MedGen C3554195, MONDO:0013989, OMIM 614959.

Allele frequency attached by ClinVar (database versions not stated): gnomAD 0.00002; gnomAD exomes 0.00003; TOPMed 0.00003; ExAC 0.00006; 1000 Genomes Project 30x 0.00016; 1000 Genomes Project 0.00020.
gnomAD v4.1: 42 of 1,612,090 alleles (0.0026%); highest among the groups gnomAD compares: Non-Finnish European, 0.003%; no homozygotes.

Submissions (5):

Labcorp Genetics (formerly Invitae), Labcorp
Classification: Uncertain significance for Autosomal dominant nocturnal frontal lobe epilepsy 5; Developmental and epileptic encephalopathy, 14. Last evaluated: 2026-01-12. Review status: criteria provided, single submitter. Criteria: Invitae Variant Classification Sherloc (09022015). Collection method: clinical testing. Allele origin: germline.
Comment: This sequence change replaces arginine, which is basic and polar, with glutamine, which is neutral and polar, at codon 613 of the KCNT1 protein (p.Arg613Gln). This variant is present in population databases (rs571757257, gnomAD 0.007%). This variant has not been reported in the literature in individuals affected with KCNT1-related conditions. ClinVar contains an entry for this variant (Variation ID: 589059). Invitae Evidence Modeling of protein sequence and biophysical properties (such as structural, functional, and spatial information, amino acid conservation, physicochemical variation, residue mobility, and thermodynamic stability) indicates that this missense variant is not expected to disrupt KCNT1 protein function with a negative predictive value of 80%. In summary, the available evidence is currently insufficient to determine the role of this variant in disease. Therefore, it has been classified as a Variant of Uncertain Significance.

Revvity Omics, Revvity
Classification: Uncertain significance. Last evaluated: 2022-09-20. Review status: criteria provided, single submitter. Criteria: ACMG Guidelines, 2015. Collection method: clinical testing. Allele origin: germline.

New York Genome Center
Classification: Uncertain significance for Developmental and epileptic encephalopathy, 14; Autosomal dominant nocturnal frontal lobe epilepsy 5. Last evaluated: 2021-10-01. Review status: criteria provided, single submitter. Criteria: NYGC Assertion Criteria 2020. Collection method: clinical testing. Allele origin: inherited. Observed: 1 heterozygote. Study: CSER-NYCKidSeq.
Comment: The inherited heterozygous missense variant c.1838G>A (p.Arg613Gln) identified in exon 18 (of 31) of the KCNT1 gene has not been reported in affected individuals in the literature. The variant has 0.00001972 allele frequency in the gnomAD(v3) database (3 out of 152144 heterozygous alleles, no homozygotes) suggesting it is not a common benign variant in the populations represented in that database. This variant is reported as a variant of uncertain significance and likely benign in the ClinVar database (Variation ID: 589059). This variant affects a highly conserved residue (Arg613) of the KCNT1 gene. In silico tools provide conflicting predictions about pathogenicity of this variant (CADD score = 24.00, REVEL score = 0.192). Reduced penetrance has been reported in KCNT1-related epilepsy phenotypes (PMID: 26122718, 30234941). Based on the available evidence, the inherited heterozygous c.1838G>A (p.Arg613Gln) missense variant identified in the KCNT1 gene is reported as a Variant of UncertainSignificance.

GeneDx
Classification: Likely benign. Last evaluated: 2018-11-12. Review status: criteria provided, single submitter. Criteria: GeneDx Variant Classification Process June 2021. Collection method: clinical testing. Allele origin: germline. Affected: yes.

Ambry Genetics
Classification: Uncertain significance for Inborn genetic diseases. Last evaluated: 2017-05-11. Review status: criteria provided, single submitter. Criteria: Ambry Variant Classification Scheme 2023. Collection method: clinical testing. Allele origin: germline.
Comment: The p.R613Q variant (also known as c.1838G>A), located in coding exon 18 of the KCNT1 gene, results from a G to A substitution at nucleotide position 1838. The arginine at codon 613 is replaced by glutamine, an amino acid with highly similar properties. This amino acid position is highly conserved in available vertebrate species. In addition, the in silico prediction for this alteration is inconclusive. Since supporting evidence is limited at this time, the clinical significance of this alteration remains unclear.

NM_020822.3(KCNT1):c.1838G>A (p.Arg613Gln)

Gene: KCNT1 (potassium sodium-activated channel subfamily T member 1; plus strand). Cytogenetic location: 9q34.3.
Variant type: single nucleotide variant.
Coding change: c.1838G>A on transcript NM_020822.3 (MANE Select); coding-DNA position 1838, G replaced by A.
Protein change: p.Arg613Gln; replaces arginine 613 with glutamine.
Molecular consequence: missense variant.
Genome position (GRCh38, 1-based): chr9:135,770,925, G>A. VCF-style: chr9-135770925-G-A. GRCh37 (hg19) VCF-style: chr9-138662771-G-A.
Other names: c.1703G>A, p.Arg568Gln (NM_001272003.2); short protein forms R613Q, R568Q.
Identifiers: ClinVar variation 589059 (VCV000589059.21), dbSNP rs571757257, ClinGen allele CA5327096.
Genomic context (GRCh38, chr9:135,770,925, plus strand): 5'-TGTGCCTCATCGGGCTGAAGCGGGAGGACAACAAGAGCATCCTGCTGAACCCGGGGCCCC[G>A]GCACATCCTGGCCGCCTCTGACACCTGCTTCTACATCAACATCACCAAGGAGGAGAACTC-3'
Protein context (NP_065873.2, residues 603-623): NKSILLNPGP[Arg613Gln]HILAASDTCF